The following is an entry in ClinVar:

NM_006231.4(POLE):c.3690G>T (p.Lys1230Asn)

Gene: POLE (DNA polymerase epsilon, catalytic subunit; minus strand). Cytogenetic location: 12q24.33.
Variant type: single nucleotide variant.
Coding change: c.3690G>T on transcript NM_006231.4 (MANE Select); coding-DNA position 3690, G replaced by T.
Protein change: p.Lys1230Asn; replaces lysine 1230 with asparagine.
Molecular consequence: missense variant.
Genome position (GRCh38, 1-based): chr12:132,649,782, C>A on the plus strand (G>T on the coding strand, the complement: POLE is on the minus strand). VCF-style: chr12-132649782-C-A. GRCh37 (hg19) VCF-style: chr12-133226368-C-A.
Other names: short protein forms K1230N.
Identifiers: ClinVar variation 1719844 (VCV001719844.5), dbSNP rs2541954596, ClinGen allele CA387386556.

ClinVar aggregate classification (germline): Uncertain significance (1 of 4 stars; one submission).

Submission:

Labcorp Genetics (formerly Invitae), Labcorp
Classification: Uncertain significance. Last evaluated: 2022-09-20. Review status: criteria provided, single submitter. Criteria: Invitae Variant Classification Sherloc (09022015). Collection method: clinical testing. Allele origin: germline.
Comment: In summary, the available evidence is currently insufficient to determine the role of this variant in disease. Therefore, it has been classified as a Variant of Uncertain Significance. Advanced modeling of protein sequence and biophysical properties (such as structural, functional, and spatial information, amino acid conservation, physicochemical variation, residue mobility, and thermodynamic stability) performed at Invitae indicates that this missense variant is not expected to disrupt POLE protein function. This variant has not been reported in the literature in individuals affected with POLE-related conditions. This variant is not present in population databases (gnomAD no frequency). This sequence change replaces lysine, which is basic and polar, with asparagine, which is neutral and polar, at codon 1230 of the POLE protein (p.Lys1230Asn).